The following is an entry in ClinVar:

NM_001376.5(DYNC1H1):c.13730T>G (p.Leu4577Arg)

Gene: DYNC1H1 (dynein cytoplasmic 1 heavy chain 1; plus strand). Cytogenetic location: 14q32.31.
Variant type: single nucleotide variant.
Coding change: c.13730T>G on transcript NM_001376.5 (MANE Select); coding-DNA position 13730, T replaced by G.
Protein change: p.Leu4577Arg; replaces leucine 4577 with arginine.
Molecular consequence: missense variant.
Genome position (GRCh38, 1-based): chr14:102,050,116, T>G. VCF-style: chr14-102050116-T-G. GRCh37 (hg19) VCF-style: chr14-102516453-T-G.
Other names: short protein forms L4577R.
Identifiers: ClinVar variation 2067499 (VCV002067499.5), dbSNP rs1567026417, ClinGen allele CA391051644.

ClinVar aggregate classification (germline): Uncertain significance. Review status: criteria provided, multiple submitters, no conflicts (2 of 4 stars). 2 submissions from 2 submitters: Uncertain significance (2). Last evaluated 2025-08-12.

Conditions:
Charcot-Marie-Tooth disease axonal type 2O. Also called: CHARCOT-MARIE-TOOTH DISEASE, AXONAL, AUTOSOMAL DOMINANT, TYPE 2O; CHARCOT-MARIE-TOOTH NEUROPATHY, AXONAL, TYPE 2O; Charcot-Marie-Tooth Neuropathy Type 2O; Charcot-Marie-Tooth disease, axonal, type 20. Identifiers: Orphanet 284232, MedGen C3280220, MONDO:0013644, OMIM 614228.
Inborn genetic diseases. Identifiers: MedGen C0950123, MeSH D030342.

Submissions (2):

Ambry Genetics
Classification: Uncertain significance for Inborn genetic diseases. Last evaluated: 2025-08-12. Review status: criteria provided, single submitter. Criteria: Ambry Variant Classification Scheme 2023. Collection method: clinical testing. Allele origin: germline.

Labcorp Genetics (formerly Invitae), Labcorp
Classification: Uncertain significance for Charcot-Marie-Tooth disease axonal type 2O. Last evaluated: 2023-06-15. Review status: criteria provided, single submitter. Criteria: Invitae Variant Classification Sherloc (09022015). Collection method: clinical testing. Allele origin: germline.
Comment: In summary, the available evidence is currently insufficient to determine the role of this variant in disease. Therefore, it has been classified as a Variant of Uncertain Significance. Advanced modeling of protein sequence and biophysical properties (such as structural, functional, and spatial information, amino acid conservation, physicochemical variation, residue mobility, and thermodynamic stability) performed at Invitae indicates that this missense variant is not expected to disrupt DYNC1H1 protein function. ClinVar contains an entry for this variant (Variation ID: 2067499). This variant has not been reported in the literature in individuals affected with DYNC1H1-related conditions. This variant is not present in population databases (gnomAD no frequency). This sequence change replaces leucine, which is neutral and non-polar, with arginine, which is basic and polar, at codon 4577 of the DYNC1H1 protein (p.Leu4577Arg).